The following is an entry in ClinVar:

NM_006245.4(PPP2R5D):c.100G>A (p.Glu34Lys)

Gene: PPP2R5D (protein phosphatase 2 regulatory subunit B'delta; plus strand). Cytogenetic location: 6p21.1.
Variant type: single nucleotide variant.
Coding change: c.100G>A on transcript NM_006245.4 (MANE Select); coding-DNA position 100, G replaced by A.
Protein change: p.Glu34Lys; replaces glutamic acid 34 with lysine.
Molecular consequence: missense variant. On other transcripts: 5 prime UTR variant (1), intron variant (1).
Genome position (GRCh38, 1-based): chr6:42,989,683, G>A. VCF-style: chr6-42989683-G-A. GRCh37 (hg19) VCF-style: chr6-42957421-G-A.
Other names: c.-371G>A (NM_001270476.2); c.100G>A, p.Glu34Lys (NM_180976.3); c.27+4979G>A (NM_180977.3); short protein forms E34K.
Identifiers: ClinVar variation 2876536 (VCV002876536.3), dbSNP rs2481338535, ClinGen allele CA364175100.

ClinVar aggregate classification (germline): Uncertain significance (1 of 4 stars; one submission).

Submission:

Labcorp Genetics (formerly Invitae), Labcorp
Classification: Uncertain significance. Last evaluated: 2023-06-29. Review status: criteria provided, single submitter. Criteria: Invitae Variant Classification Sherloc (09022015). Collection method: clinical testing. Allele origin: germline.
Comment: In summary, the available evidence is currently insufficient to determine the role of this variant in disease. Therefore, it has been classified as a Variant of Uncertain Significance. An algorithm developed to predict the effect of missense changes on protein structure and function (PolyPhen-2) suggests that this variant is likely to be tolerated. This variant has not been reported in the literature in individuals affected with PPP2R5D-related conditions. This variant is not present in population databases (gnomAD no frequency). This sequence change replaces glutamic acid, which is acidic and polar, with lysine, which is basic and polar, at codon 34 of the PPP2R5D protein (p.Glu34Lys).